The following is an entry in ClinVar:

ClinVar aggregate classification (germline): Uncertain significance (1 of 4 stars; one submission).

Conditions:
Myopathy, proximal, and ophthalmoplegia (CMYO6). Also called: CONGENITAL MYOPATHY 6 WITH OPHTHALMOPLEGIA; INCLUSION BODY MYOPATHY 3, AUTOSOMAL DOMINANT; MYOPATHY WITH CONGENITAL JOINT CONTRACTURES, OPHTHALMOPLEGIA, AND RIMMED VACUOLES. Identifiers: Orphanet 363677, Orphanet 79091, MedGen C1854106, MONDO:0011577, OMIM 605637.

gnomAD v4.1: 3 of 1,609,424 alleles (0.00019%); highest among the groups gnomAD compares: Admixed American, 0.005%; no homozygotes.

Submission:

Labcorp Genetics (formerly Invitae), Labcorp
Classification: Uncertain significance for Myopathy, proximal, and ophthalmoplegia. Last evaluated: 2026-01-13. Review status: criteria provided, single submitter. Criteria: Invitae Variant Classification Sherloc (09022015). Collection method: clinical testing. Allele origin: germline.
Comment: This sequence change falls in intron 35 of the MYH2 gene. It does not directly change the encoded amino acid sequence of the MYH2 protein. This variant is present in population databases (rs754417902, gnomAD 0.009%). This variant has not been reported in the literature in individuals affected with MYH2-related conditions. ClinVar contains an entry for this variant (Variation ID: 3727196). Algorithms developed to predict the effect of sequence changes on RNA splicing suggest that this variant may create or strengthen a splice site. In summary, the available evidence is currently insufficient to determine the role of this variant in disease. Therefore, it has been classified as a Variant of Uncertain Significance.

NM_017534.6(MYH2):c.5176-15A>G

Genes: MYH2 (myosin heavy chain 2; minus strand), MYHAS (myosin heavy chain gene cluster antisense RNA; plus strand). Cytogenetic location: 17p13.1.
Variant type: single nucleotide variant.
Coding change: c.5176-15A>G on transcript NM_017534.6 (MANE Select); 15 bases into the intron before coding-DNA position 5176, A replaced by G.
Molecular consequence: intron variant.
Genome position (GRCh38, 1-based): chr17:10,523,899, T>C on the plus strand (A>G on the coding strand, the complement: MYH2 is on the minus strand). VCF-style: chr17-10523899-T-C. GRCh37 (hg19) VCF-style: chr17-10427216-T-C.
Other names: c.5176-15A>G (NM_001100112.2).
Identifiers: ClinVar variation 3727196 (VCV003727196.2).